The following is an entry in ClinVar:

NM_001256071.3(RNF213):c.2772A>G (p.Thr924=)

Gene: RNF213 (ring finger protein 213; plus strand). Cytogenetic location: 17q25.3.
Variant type: single nucleotide variant.
Coding change: c.2772A>G on transcript NM_001256071.3 (MANE Select); coding-DNA position 2772, A replaced by G.
Protein change: p.Thr924=; no amino-acid change (threonine 924 retained).
Molecular consequence: synonymous variant.
Genome position (GRCh38, 1-based): chr17:80,313,128, A>G. VCF-style: chr17-80313128-A-G. GRCh37 (hg19) VCF-style: chr17-78286928-A-G.
Other names: p.Thr924=; c.2919A>G, p.Thr973= (NM_001410195.1, NM_020914.5); c.2772A>G, p.Thr924= (NM_020954.4).
Identifiers: ClinVar variation 4684265 (VCV004684265.3).

ClinVar aggregate classification (germline): Likely benign. Review status: criteria provided, multiple submitters, no conflicts (2 of 4 stars). 3 submissions from 3 submitters: Likely benign (3). Last evaluated 2025-10-28.

gnomAD v4.1: 551 of 1,614,050 alleles (0.034%); highest among the groups gnomAD compares: Non-Finnish European, 0.041%; no homozygotes.

Submissions (3):

Mayo Clinic Laboratories, Mayo Clinic
Classification: Likely benign. Last evaluated: 2025-10-28. Review status: criteria provided, single submitter. Criteria: ACMG Guidelines, 2015. Collection method: clinical testing. Allele origin: germline. Observed: 1 variant allele.
Comment: BP4, BP7

Labcorp Genetics (formerly Invitae), Labcorp
Classification: Likely benign. Last evaluated: 2025-09-21. Review status: criteria provided, single submitter. Criteria: Invitae Variant Classification Sherloc (09022015). Collection method: clinical testing. Allele origin: germline.

Blueprint Genetics
Classification: Likely benign. Last evaluated: 2024-09-23. Review status: criteria provided, single submitter. Criteria: ACMG Guidelines, 2015. Collection method: clinical testing. Allele origin: germline.